The following is an entry in ClinVar:

NM_006545.5(NPRL2):c.520G>A (p.Val174Ile)

Gene: NPRL2 (NPR2 like, GATOR1 complex subunit; minus strand). Cytogenetic location: 3p21.31.
Variant type: single nucleotide variant.
Coding change: c.520G>A on transcript NM_006545.5 (MANE Select); coding-DNA position 520, G replaced by A.
Protein change: p.Val174Ile; replaces valine 174 with isoleucine.
Molecular consequence: missense variant.
Genome position (GRCh38, 1-based): chr3:50,348,939, C>T on the plus strand (G>A on the coding strand, the complement: NPRL2 is on the minus strand). VCF-style: chr3-50348939-C-T. GRCh37 (hg19) VCF-style: chr3-50386370-C-T.
Other names: short protein forms V174I.
Identifiers: ClinVar variation 4848527 (VCV004848527.1).
Genomic context (GRCh38, chr3:50,348,939, plus strand): 5'-GTGTAGTGAGGTCCCACTGTGAGTTGAAGAAATCCTCCTTGTCTTTGGTAAAGACAGGTA[C>T]ATCATACTCCTGGGCCACCGGAGGGTCTGGCCGCTGCTCAATCACCTTCAAGTGGATGGT-3'
Protein context (NP_006536.3, residues 164-184): PDPPVAQEYD[Val174Ile]PVFTKDKEDF

ClinVar aggregate classification (germline): Uncertain significance (1 of 4 stars; one submission).

Submission:

Women's Health and Genetics/Laboratory Corporation of America, LabCorp
Classification: Uncertain significance. Last evaluated: 2026-04-15. Review status: criteria provided, single submitter. Criteria: LabCorp Variant Classification Summary - May 2015. Collection method: clinical testing. Allele origin: germline.
Comment: Variant summary: NPRL2 c.520G>A (p.Val174Ile) results in a conservative amino acid change in the encoded protein sequence. Algorithms developed to predict the effect of missense changes on protein structure and function are either unavailable or do not agree on the potential impact of this missense change. The variant allele was found at a frequency of 1.6e-05 in 251390 control chromosomes. The available data on variant occurrences in the general population are insufficient to allow any conclusion about variant significance. To our knowledge, no occurrence of c.520G>A in individuals affected with NPRL2-related conditions and no experimental evidence demonstrating its impact on protein function have been reported. No submitters have cited clinical-significance assessments for this variant to ClinVar. Based on the evidence outlined above, the variant was classified as uncertain significance.